The following is an entry in ClinVar:

ClinVar aggregate classification (germline): Likely pathogenic (1 of 4 stars; one submission).

Conditions:
Pyridoxine-dependent epilepsy (EPEO4). Also called: Pyridoxine-Dependent Seizures; PYRIDOXINE DEPENDENCY WITH SEIZURES; EPILEPSY, EARLY-ONSET, 4, VITAMIN B6-DEPENDENT; Pyridoxine-Dependent Epilepsy - ALDH7A1. Identifiers: Orphanet 3006, MedGen C1849508, MONDO:0009945, OMIM 266100. Disease mechanism: loss of function.

Submission:

Labcorp Genetics (formerly Invitae), Labcorp
Classification: Likely pathogenic for Pyridoxine-dependent epilepsy. Last evaluated: 2023-06-05. Review status: criteria provided, single submitter. Criteria: Invitae Variant Classification Sherloc (09022015). Collection method: clinical testing. Allele origin: germline.
Comment: This variant has been observed in individual(s) with epilepsy (PMID: 29720203). In summary, the currently available evidence indicates that the variant is pathogenic, but additional data are needed to prove that conclusively. Therefore, this variant has been classified as Likely Pathogenic. Algorithms developed to predict the effect of sequence changes on RNA splicing suggest that this variant is not likely to affect RNA splicing. This variant is not present in population databases (gnomAD no frequency). This variant results in the deletion of part of exon 6 of the ALDH7A1 gene. It is expected to disrupt RNA splicing. Variants that disrupt the donor or acceptor splice site typically lead to a loss of protein function (PMID: 16199547), and loss-of-function variants in ALDH7A1 are known to be pathogenic (PMID: 16491085, 20554659).

Literature cited by the submitters: PubMed 29720203; PubMed 16199547; PubMed 16491085; PubMed 20554659.

NM_001182.5(ALDH7A1):c.518-14_518delinsCA

Gene: ALDH7A1 (aldehyde dehydrogenase 7 family member A1; minus strand). Cytogenetic location: 5q23.2.
Variant type: Indel.
Coding change: c.518-14_518delinsCA on transcript NM_001182.5 (MANE Select); 14 bases into the intron before coding-DNA position 518 through coding-DNA position 518, TTTTCTGTCCTCAGG replaced by CA.
Molecular consequence: splice acceptor variant.
Genome position (GRCh38, 1-based): chr5:126,577,211-126,577,225, CCTGAGGACAGAAAA replaced by TG on the plus strand (TTTTCTGTCCTCAGG replaced by CA on the coding strand, the reverse complement: ALDH7A1 is on the minus strand). VCF-style: chr5-126577211-CCTGAGGACAGAAAA-TG. GRCh37 (hg19) VCF-style: chr5-125912903-CCTGAGGACAGAAAA-TG.
Other names: c.518-14_518delinsCA (NM_001202404.2); c.434-14_434delinsCA (NM_001201377.2).
Identifiers: ClinVar variation 2770357 (VCV002770357.3), dbSNP rs2480323087, ClinGen allele CA2695205190.
Genomic context (GRCh38, chr5:126,577,211, plus strand): 5'-GCCGTGATGATTCCAACCAGGCCTACGGGATTCCACTGCTCAATCAGTGCATGGCCAGAT[CCTGAGGACAGAAAA>TG]AGGATGGAACATGCAGAAGCATGTTAATTTAATGCCCATCAAGTTAATAAGAACAAACGT-3'